The following is an entry in ClinVar:

ClinVar aggregate classification (germline): Uncertain significance. Review status: criteria provided, multiple submitters, no conflicts (2 of 4 stars). 2 submissions from 2 submitters: Uncertain significance (2). Last evaluated 2026-07-23.

Conditions:
Hereditary pancreatitis (PCTT). Also called: Hereditary chronic pancreatitis; PRSS1-Related Hereditary Pancreatitis. Identifiers: Orphanet 676, MedGen C0238339, MONDO:0008185, OMIM 167800.

Allele frequency attached by ClinVar (database versions not stated): gnomAD exomes below 0.00001.
gnomAD v4.1: 4 of 1,614,124 alleles (0.00025%); highest among the groups gnomAD compares: Non-Finnish European, 0.00034%; no homozygotes.

Submissions (2):

Ambry Genetics
Classification: Uncertain significance for Hereditary pancreatitis. Last evaluated: 2026-07-23. Review status: criteria provided, single submitter. Criteria: Ambry Variant Classification Scheme 2023. Collection method: clinical testing. Allele origin: germline.
Comment: The p.V337L variant (also known as c.1009G>C), located in coding exon 9 of the CPA1 gene, results from a G to C substitution at nucleotide position 1009. The valine at codon 337 is replaced by leucine, an amino acid with highly similar properties. This amino acid position is highly conserved in available vertebrate species. In addition, the in silico prediction for this alteration is inconclusive. Based on the available evidence, the clinical significance of this variant remains unclear.

Labcorp Genetics (formerly Invitae), Labcorp
Classification: Uncertain significance. Last evaluated: 2024-08-06. Review status: criteria provided, single submitter. Criteria: Invitae Variant Classification Sherloc (09022015). Collection method: clinical testing. Allele origin: germline.
Comment: This sequence change replaces valine, which is neutral and non-polar, with leucine, which is neutral and non-polar, at codon 337 of the CPA1 protein (p.Val337Leu). This variant is present in population databases (rs529373594, gnomAD 0.002%). This variant has not been reported in the literature in individuals affected with CPA1-related conditions. ClinVar contains an entry for this variant (Variation ID: 1465873). Advanced modeling of protein sequence and biophysical properties (such as structural, functional, and spatial information, amino acid conservation, physicochemical variation, residue mobility, and thermodynamic stability) performed at Invitae indicates that this missense variant is not expected to disrupt CPA1 protein function with a negative predictive value of 80%. In summary, the available evidence is currently insufficient to determine the role of this variant in disease. Therefore, it has been classified as a Variant of Uncertain Significance.

NM_001868.4(CPA1):c.1009G>C (p.Val337Leu)

Gene: CPA1 (carboxypeptidase A1; plus strand). Cytogenetic location: 7q32.2.
Variant type: single nucleotide variant.
Coding change: c.1009G>C on transcript NM_001868.4 (MANE Select); coding-DNA position 1009, G replaced by C.
Protein change: p.Val337Leu; replaces valine 337 with leucine.
Molecular consequence: missense variant.
Genome position (GRCh38, 1-based): chr7:130,385,860, G>C. VCF-style: chr7-130385860-G-C. GRCh37 (hg19) VCF-style: chr7-130025701-G-C.
Other names: c.1009G>C (NM_001868.2); short protein forms V337L.
Identifiers: ClinVar variation 1465873 (VCV001465873.9), dbSNP rs529373594, ClinGen allele CA4485028.